The following is an entry in ClinVar:

NM_005144.5(HR):c.*75G>A

Gene: HR (HR lysine demethylase and nuclear receptor corepressor; minus strand). Cytogenetic location: 8p21.3.
Variant type: single nucleotide variant.
Coding change: c.*75G>A on transcript NM_005144.5 (MANE Select); 75 bases downstream of the stop codon, G replaced by A.
Molecular consequence: 3 prime UTR variant.
Genome position (GRCh38, 1-based): chr8:22,115,625, C>T on the plus strand (G>A on the coding strand, the complement: HR is on the minus strand). VCF-style: chr8-22115625-C-T. GRCh37 (hg19) VCF-style: chr8-21973138-C-T.
Other names: c.*75G>A (NM_018411.4).
Identifiers: ClinVar variation 908945 (VCV000908945.4), dbSNP rs114993748, ClinGen allele CA173489578.

ClinVar aggregate classification (germline): Likely benign. Review status: criteria provided, single submitter (1 of 4 stars). 2 submissions from 1 submitter: Likely benign (2). Last evaluated 2018-01-13.

Conditions:
Alopecia universalis congenita (ALUNC). Also called: ATRICHIA, GENERALIZED. Identifiers: Orphanet 701, MedGen C1859877, MONDO:0008757, OMIM 203655.
Atrichia with papular lesions (APL). Also called: PAPULAR ATRICHIA. Identifiers: Orphanet 86819, MedGen C1859592, MONDO:0008847, OMIM 209500.

Allele frequency attached by ClinVar (database versions not stated): gnomAD exomes 0.00029; 1000 Genomes Project 0.00260; gnomAD 0.00274 and 0.00298; 1000 Genomes Project 30x 0.00312; TOPMed 0.00333.

Submissions (2):

Illumina Laboratory Services, Illumina
Classification: Likely benign for Alopecia universalis congenita. Last evaluated: 2018-01-13. Review status: criteria provided, single submitter. Criteria: ICSL Variant Classification Criteria 13 December 2019. Collection method: clinical testing. Allele origin: germline.
Comment: This variant was observed in the ICSL laboratory as part of a predisposition screen in an ostensibly healthy population. It had not been previously curated by ICSL or reported in the Human Gene Mutation Database (HGMD: prior to June 1st, 2018), and was therefore a candidate for classification through an automated scoring system. Utilizing variant allele frequency, disease prevalence and penetrance estimates, and inheritance mode, an automated score was calculated to assess if this variant is too frequent to cause the disease. Based on the score and internal cut-off values, a variant classified as likely benign is not then subjected to further curation. The score for this variant resulted in a classification of likely benign for this disease.

Illumina Laboratory Services, Illumina
Classification: Likely benign for Atrichia with papular lesions. Last evaluated: 2018-01-13. Review status: criteria provided, single submitter. Criteria: ICSL Variant Classification Criteria 13 December 2019. Collection method: clinical testing. Allele origin: germline.
Comment: the same text as in the submission from Illumina Laboratory Services, Illumina above.